The following is an entry in ClinVar:

NM_006648.4(WNK2):c.1430G>A (p.Arg477Lys)

Gene: WNK2 (WNK lysine deficient protein kinase 2; plus strand). Cytogenetic location: 9q22.31.
Variant type: single nucleotide variant.
Coding change: c.1430G>A on transcript NM_006648.4 (MANE Select); coding-DNA position 1430, G replaced by A.
Protein change: p.Arg477Lys; replaces arginine 477 with lysine.
Molecular consequence: missense variant.
Genome position (GRCh38, 1-based): chr9:93,239,864, G>A. VCF-style: chr9-93239864-G-A. GRCh37 (hg19) VCF-style: chr9-96002146-G-A.
Other names: c.1430G>A, p.Arg477Lys (NM_001282394.3); short protein forms R477K.
Identifiers: ClinVar variation 2274770 (VCV002274770.4), dbSNP rs757320091, ClinGen allele CA5129319.

ClinVar aggregate classification (germline): Uncertain significance (1 of 4 stars; one submission).

Allele frequency attached by ClinVar (database versions not stated): ExAC 0.00002.

Submission:

Ambry Genetics
Classification: Uncertain significance. Last evaluated: 2026-07-26. Review status: criteria provided, single submitter. Criteria: Ambry Variant Classification Scheme 2023. Collection method: clinical testing. Allele origin: germline.
Comment: The p.R477K variant (also known as c.1430G>A), located in coding exon 6 of the WNK2 gene, results from a G to A substitution at nucleotide position 1430. The arginine at codon 477 is replaced by lysine, an amino acid with highly similar properties. This amino acid position is conserved. In addition, this alteration is predicted to be tolerated by in silico analysis. Based on the available evidence, the clinical significance of this variant remains unclear.